The following is an entry in ClinVar:

NM_001267550.2(TTN):c.9164-9del

Gene: TTN (titin; minus strand). Cytogenetic location: 2q31.2.
Variant type: Deletion.
Coding change: c.9164-9del on transcript NM_001267550.2 (MANE Select); 9 bases into the intron before coding-DNA position 9164, one base deleted (A; older notation c.9164-9delA).
Molecular consequence: intron variant.
Genome position (GRCh38, 1-based): chr2:178,768,164, T deleted on the plus strand (A on the coding strand, the reverse complement: TTN is on the minus strand). VCF-style (leftmost placement, unchanged base first): chr2-178768163-AT-A. GRCh37 (hg19) VCF-style: chr2-179632890-AT-A.
Other names: c.9164-9delA (NM_001256850.1, NM_001267550.2); c.9026-9del (NM_003319.4, NM_133437.4, NM_133432.3); c.9164-9del (NM_133378.4, NM_001256850.1, NM_133379.5).
Identifiers: ClinVar variation 405154 (VCV000405154.3), dbSNP rs752677873, ClinGen allele CA2004422.

ClinVar aggregate classification (germline): Conflicting classifications of pathogenicity. Review status: criteria provided, conflicting classifications (1 of 4 stars). 2 submissions from 2 submitters: Uncertain significance (1); Likely benign (1). Last evaluated 2017-07-28.

Conditions:
Dilated cardiomyopathy 1G (CMD1G). Identifiers: Orphanet 154, MedGen C1858763, MONDO:0011400, OMIM 604145.
Autosomal recessive limb-girdle muscular dystrophy type 2J (LGMDR10). Also called: Limb-girdle muscular dystrophy, type 2J; MUSCULAR DYSTROPHY, LIMB-GIRDLE, AUTOSOMAL RECESSIVE 10. Identifiers: Orphanet 140922, MedGen C1837342, MONDO:0012127, OMIM 608807.

Allele frequency attached by ClinVar (database versions not stated): gnomAD exomes below 0.00001; ExAC 0.00001; gnomAD 0.00001; TOPMed 0.00001.

Submissions (2):

GeneDx
Classification: Likely benign. Last evaluated: 2017-07-28. Review status: criteria provided, single submitter. Criteria: GeneDx Variant Classification (06012015). Collection method: clinical testing. Allele origin: germline. Affected: yes.
Comment: This variant is considered likely benign or benign based on one or more of the following criteria: it is a conservative change, it occurs at a poorly conserved position in the protein, it is predicted to be benign by multiple in silico algorithms, and/or has population frequency not consistent with disease.

Labcorp Genetics (formerly Invitae), Labcorp
Classification: Uncertain significance for Dilated cardiomyopathy 1G; Autosomal recessive limb-girdle muscular dystrophy type 2J. Last evaluated: 2016-11-26. Review status: criteria provided, single submitter. Criteria: Invitae Variant Classification Sherloc (09022015). Collection method: clinical testing. Allele origin: germline.